The following is an entry in ClinVar:

NM_172107.4(KCNQ2):c.436T>A (p.Trp146Arg)

Gene: KCNQ2 (potassium voltage-gated channel subfamily Q member 2; minus strand). Cytogenetic location: 20q13.33.
Variant type: single nucleotide variant.
Coding change: c.436T>A on transcript NM_172107.4 (MANE Select); coding-DNA position 436, T replaced by A.
Protein change: p.Trp146Arg; replaces tryptophan 146 with arginine.
Molecular consequence: missense variant.
Genome position (GRCh38, 1-based): chr20:63,445,316, A>T on the plus strand (T>A on the coding strand, the complement: KCNQ2 is on the minus strand). VCF-style: chr20-63445316-A-T. GRCh37 (hg19) VCF-style: chr20-62076669-A-T.
Other names: c.436T>A, p.Trp146Arg (NM_004518.6, NM_172106.3, NM_172108.5 and 1 more transcripts); short protein forms W146R.
Identifiers: ClinVar variation 432987 (VCV000432987.1), dbSNP rs1555873982, ClinGen allele CA409655428.

ClinVar aggregate classification (germline): Uncertain significance (1 of 4 stars; one submission).

Submission:

GeneDx
Classification: Uncertain significance. Last evaluated: 2017-06-26. Review status: criteria provided, single submitter. Criteria: GeneDx Variant Classification (06012015). Collection method: clinical testing. Allele origin: germline. Affected: yes.
Comment: A variant of uncertain significance has been identified in the KCNQ2 gene. The W146R variant has not been published as a pathogenic variant, nor has it been reported as a benign variant to our knowledge. The W146R variant is not observed in large population cohorts (Lek et al., 2016; 1000 Genomes Consortium et al., 2015; Exome Variant Server). The W146R variant is a non-conservative amino acid substitution, which is likely to impact secondary protein structure as these residues differ in polarity, charge, size and/or other properties. This substitution occurs at a position that is conserved across species. In silico analysis predicts this variant is probably damaging to the protein structure/function. Therefore, based on the currently available information, it is unclear whether this variant is a pathogenic variant or a rare benign variant.